The following is an entry in ClinVar:

NM_003718.5(CDK13):c.1870A>G (p.Ser624Gly)

Gene: CDK13 (cyclin dependent kinase 13; plus strand). Cytogenetic location: 7p14.1.
Variant type: single nucleotide variant.
Coding change: c.1870A>G on transcript NM_003718.5 (MANE Select); coding-DNA position 1870, A replaced by G.
Protein change: p.Ser624Gly; replaces serine 624 with glycine.
Molecular consequence: missense variant.
Genome position (GRCh38, 1-based): chr7:39,988,257, A>G. VCF-style: chr7-39988257-A-G. GRCh37 (hg19) VCF-style: chr7-40027856-A-G.
Other names: c.1870A>G, p.Ser624Gly (NM_031267.4); short protein forms S624G.
Identifiers: ClinVar variation 778351 (VCV000778351.13), dbSNP rs17496275, ClinGen allele CA4228571.
Genomic context (GRCh38, chr7:39,988,257, plus strand): 5'-ACCTCTACATTACCACCGTTACCTTTGCCTCCCATGCTGCCTGAAGATAAAGAAGCTGAT[A>G]GGTAAGTGCAAAAAGTATTTGTCAATAACTGTTCAAAGAAAAAATGTAAGTCTGAAGTGA-3'
Protein context (NP_003709.3, residues 614-634): PMLPEDKEAD[Ser624Gly]LRGNISVKAV

ClinVar aggregate classification (germline): Benign/Likely benign. Review status: criteria provided, multiple submitters, no conflicts (2 of 4 stars). 2 submissions from 2 submitters: Benign (1); Likely benign (1). Last evaluated 2026-01-31.

Allele frequency attached by ClinVar (database versions not stated): gnomAD 0.00009; 1000 Genomes Project 30x 0.00016; 1000 Genomes Project 0.00020; gnomAD exomes 0.00034 and 0.00085; TOPMed 0.00046; ExAC 0.00085.
gnomAD v4.1: 209 of 1,587,824 alleles (0.013%); highest among the groups gnomAD compares: Admixed American, 0.39%; 1 homozygote.

Submissions (2):

Labcorp Genetics (formerly Invitae), Labcorp
Classification: Benign. Last evaluated: 2026-01-31. Review status: criteria provided, single submitter. Criteria: Invitae Variant Classification Sherloc (09022015). Collection method: clinical testing. Allele origin: germline.

CeGaT Center for Human Genetics Tuebingen
Classification: Likely benign. Last evaluated: 2026-01-01. Review status: criteria provided, single submitter. Criteria: CeGaT Center For Human Genetics Tuebingen Variant Classification Criteria Version 2. Collection method: clinical testing. Allele origin: germline. Affected: yes. Observed: 2 variant alleles.
Comment: CDK13: BS1